The following is an entry in ClinVar:

NM_002863.5(PYGL):c.1828-21G>A

Gene: PYGL (glycogen phosphorylase L; minus strand). Cytogenetic location: 14q22.1.
Variant type: single nucleotide variant.
Coding change: c.1828-21G>A on transcript NM_002863.5 (MANE Select); 21 bases into the intron before coding-DNA position 1828, G replaced by A.
Molecular consequence: intron variant.
Genome position (GRCh38, 1-based): chr14:50,911,892, C>T on the plus strand (G>A on the coding strand, the complement: PYGL is on the minus strand). VCF-style: chr14-50911892-C-T. GRCh37 (hg19) VCF-style: chr14-51378610-C-T.
Other names: c.1726-21G>A (NM_001163940.2).
Identifiers: ClinVar variation 258835 (VCV000258835.8), dbSNP rs75220125, ClinGen allele CA7183312.

ClinVar aggregate classification (germline): Likely benign. Review status: criteria provided, multiple submitters, no conflicts (2 of 4 stars). 4 submissions from 4 submitters: Likely benign (3). 1 of the submissions does not count toward it. Last evaluated 2021-05-19.

Allele frequency attached by ClinVar (database versions not stated): 1000 Genomes Project 0.00978; 1000 Genomes Project 30x 0.01015; TOPMed 0.01456; ESP Exome Variant Server 0.01576.

Submissions (4):

GeneDx
Classification: Likely benign. Last evaluated: 2021-05-19. Review status: criteria provided, single submitter. Criteria: GeneDx Variant Classification Process June 2021. Collection method: clinical testing. Allele origin: germline. Affected: yes.
Comment: See Variant Classification Assertion Criteria.

Breakthrough Genomics
Classification: Likely benign. Review status: criteria provided, single submitter. Criteria: ACMG Guidelines, 2015. Collection method: not provided. Allele origin: germline. Inheritance: Autosomal recessive inheritance. Affected: yes.

PreventionGenetics, part of Exact Sciences
Classification: Likely benign. Review status: criteria provided, single submitter. Criteria: ACMG Guidelines, 2015. Collection method: clinical testing. Allele origin: germline.

Mayo Clinic Laboratories, Mayo Clinic
Classification: Likely benign. Last evaluated: 2017-04-17. Review status: no assertion criteria provided. Collection method: clinical testing. Allele origin: unknown. Not counted in ClinVar's aggregate classification.